The following is an entry in ClinVar:

ClinVar aggregate classification (germline): Uncertain significance (1 of 4 stars; one submission).

Conditions:
Spastic paraplegia. Identifiers: MedGen C0037772, HP:0001258.

Allele frequency attached by ClinVar (database versions not stated): TOPMed below 0.00001; ExAC 0.00001; gnomAD 0.00001; 1000 Genomes Project 30x 0.00016; 1000 Genomes Project 0.00020.

Submission:

Labcorp Genetics (formerly Invitae), Labcorp
Classification: Uncertain significance for Spastic paraplegia. Last evaluated: 2022-02-02. Review status: criteria provided, single submitter. Criteria: Invitae Variant Classification Sherloc (09022015). Collection method: clinical testing. Allele origin: germline.
Comment: This sequence change replaces isoleucine, which is neutral and non-polar, with valine, which is neutral and non-polar, at codon 2519 of the ZFYVE26 protein (p.Ile2519Val). The frequency data for this variant in the population databases is considered unreliable, as metrics indicate poor data quality at this position in the gnomAD database. This variant has not been reported in the literature in individuals affected with ZFYVE26-related conditions. Algorithms developed to predict the effect of missense changes on protein structure and function are either unavailable or do not agree on the potential impact of this missense change (SIFT: "Tolerated"; PolyPhen-2: "Probably Damaging"; Align-GVGD: "Class C0"). Algorithms developed to predict the effect of sequence changes on RNA splicing suggest that this variant may create or strengthen a splice site. In summary, the available evidence is currently insufficient to determine the role of this variant in disease. Therefore, it has been classified as a Variant of Uncertain Significance.

NM_015346.4(ZFYVE26):c.7555A>G (p.Ile2519Val)

Gene: ZFYVE26 (zinc finger FYVE-type containing 26; minus strand). Cytogenetic location: 14q24.1.
Variant type: single nucleotide variant.
Coding change: c.7555A>G on transcript NM_015346.4 (MANE Select); coding-DNA position 7555, A replaced by G.
Protein change: p.Ile2519Val; replaces isoleucine 2519 with valine.
Molecular consequence: missense variant.
Genome position (GRCh38, 1-based): chr14:67,748,501, T>C on the plus strand (A>G on the coding strand, the complement: ZFYVE26 is on the minus strand). VCF-style: chr14-67748501-T-C. GRCh37 (hg19) VCF-style: chr14-68215218-T-C.
Other names: short protein forms I2519V.
Identifiers: ClinVar variation 2145337 (VCV002145337.1), dbSNP rs552457674, ClinGen allele CA7238916.